The following is an entry in ClinVar:

ClinVar aggregate classification (germline): Conflicting classifications of pathogenicity. Review status: criteria provided, conflicting classifications (1 of 4 stars). 4 submissions from 4 submitters: Uncertain significance (2); Likely benign (2). Last evaluated 2026-02-03.

Conditions:
Inborn genetic diseases. Identifiers: MedGen C0950123, MeSH D030342.

Allele frequency attached by ClinVar (database versions not stated): gnomAD exomes 0.00005 and 0.00013; ExAC 0.00018; gnomAD 0.00043; TOPMed 0.00046; ESP Exome Variant Server 0.00088; 1000 Genomes Project 0.00100; 1000 Genomes Project 30x 0.00109.
gnomAD v4.1: 130 of 1,551,746 alleles (0.0084%); highest among the groups gnomAD compares: African/African-American, 0.14%; 1 homozygote.

Submissions (4):

Labcorp Genetics (formerly Invitae), Labcorp
Classification: Likely benign. Last evaluated: 2026-02-03. Review status: criteria provided, single submitter. Criteria: Invitae Variant Classification Sherloc (09022015). Collection method: clinical testing. Allele origin: germline.

Ambry Genetics
Classification: Likely benign for Inborn genetic diseases. Last evaluated: 2025-12-08. Review status: criteria provided, single submitter. Criteria: Ambry Variant Classification Scheme 2023. Collection method: clinical testing. Allele origin: germline.

GeneDx
Classification: Uncertain significance. Last evaluated: 2025-06-25. Review status: criteria provided, single submitter. Criteria: GeneDx Variant Classification Process June 2021. Collection method: clinical testing. Allele origin: germline. Affected: yes.
Comment: In silico analysis suggests that this missense variant does not alter protein structure/function; Has not been previously published as pathogenic or benign to our knowledge

Breakthrough Genomics
Classification: Uncertain significance. Review status: criteria provided, single submitter. Criteria: ACMG Guidelines, 2015. Collection method: not provided. Allele origin: germline. Inheritance: Autosomal recessive inheritance. Affected: yes.

NM_001371986.1(UNC80):c.4075T>C (p.Ser1359Pro)

Gene: UNC80 (unc-80 subunit of NALCN channel complex; plus strand). Cytogenetic location: 2q34.
Variant type: single nucleotide variant.
Coding change: c.4075T>C on transcript NM_001371986.1 (MANE Select); coding-DNA position 4075, T replaced by C.
Protein change: p.Ser1359Pro; replaces serine 1359 with proline.
Molecular consequence: missense variant.
Genome position (GRCh38, 1-based): chr2:209,881,059, T>C. VCF-style: chr2-209881059-T-C. GRCh37 (hg19) VCF-style: chr2-210745783-T-C.
Other names: c.4081T>C, p.Ser1361Pro (NM_032504.2); c.4066T>C, p.Ser1356Pro (NM_182587.4); c.4081T>C (NM_032504.1); short protein forms S1359P, S1356P, S1361P.
Identifiers: ClinVar variation 1349235 (VCV001349235.10), dbSNP rs61745161, ClinGen allele CA2083173.